The following is an entry in ClinVar:

ClinVar aggregate classification (germline): Likely pathogenic (1 of 4 stars; one submission).

Conditions:
Congenital contractural arachnodactyly (CCA). Also called: Beals-Hecht syndrome; BEALS SYNDROME; Arthrogryposis, distal, type 9. Identifiers: Orphanet 115, MedGen C0220668, MONDO:0007363, OMIM 121050.

Submission:

Labcorp Genetics (formerly Invitae), Labcorp
Classification: Likely pathogenic for Congenital contractural arachnodactyly. Last evaluated: 2022-02-23. Review status: criteria provided, single submitter. Criteria: Invitae Variant Classification Sherloc (09022015). Collection method: clinical testing. Allele origin: germline.
Comment: In summary, the currently available evidence indicates that the variant is pathogenic, but additional data are needed to prove that conclusively. Therefore, this variant has been classified as Likely Pathogenic. A similar copy number variant has been observed in individual(s) with clinical features of FBN2-related conditions (Invitae). This variant is a gross deletion of the genomic region encompassing exon(s) 46-48 of the FBN2 gene. This variant would be expected to be in-frame, preserving the integrity of the reading frame.

NC_000005.10:g.(?_128300797)_(128303109_?)del

Gene: FBN2 (fibrillin 2; minus strand). Cytogenetic location: 5q23.3.
Variant type: Deletion.
Identifiers: ClinVar variation 657909 (VCV000657909.10).